The following is an entry in ClinVar:

ClinVar aggregate classification (germline): Uncertain significance. Review status: criteria provided, multiple submitters, no conflicts (2 of 4 stars). 6 submissions from 6 submitters: Uncertain significance (5). 1 of the submissions does not count toward it. Last evaluated 2026-06-23.

Conditions:
VPS13B-related disorder. Also called: VPS13B-related condition.
Cohen syndrome (COH1). Also called: Cutis verticis gyrata, retinitis pigmentosa, and sensorineural deafness; PEPPER SYNDROME. Identifiers: Orphanet 193, MedGen C0265223, MONDO:0008999, OMIM 216550.

Allele frequency attached by ClinVar (database versions not stated): ExAC 0.00011; TOPMed 0.00011; ESP Exome Variant Server 0.00015; gnomAD exomes 0.00029 and 0.00008; gnomAD 0.00007.
gnomAD v4.1: 418 of 1,614,086 alleles (0.026%); highest among the groups gnomAD compares: Non-Finnish European, 0.035%; no homozygotes.

Submissions (6):

PreventionGenetics, part of Exact Sciences
Classification: Uncertain significance for VPS13B-related condition. Last evaluated: 2026-06-23. Review status: criteria provided, single submitter. Criteria: ACMG Guidelines, 2015. Collection method: clinical testing. Allele origin: germline.
Comment: The VPS13B c.10549A>G variant is predicted to result in the amino acid substitution p.Lys3517Glu. To our knowledge, this variant has not been reported in the literature. This variant is reported in 0.017% of alleles in individuals of European (Non-Finnish) descent in gnomAD. At this time, the clinical significance of this variant is uncertain due to the absence of conclusive functional and genetic evidence.

Labcorp Genetics (formerly Invitae), Labcorp
Classification: Uncertain significance for Cohen syndrome. Last evaluated: 2025-01-31. Review status: criteria provided, single submitter. Criteria: Invitae Variant Classification Sherloc (09022015). Collection method: clinical testing. Allele origin: germline.
Comment: This sequence change replaces lysine, which is basic and polar, with glutamic acid, which is acidic and polar, at codon 3542 of the VPS13B protein (p.Lys3542Glu). This variant is present in population databases (rs143187571, gnomAD 0.02%). This variant has not been reported in the literature in individuals affected with VPS13B-related conditions. ClinVar contains an entry for this variant (Variation ID: 212568). Invitae Evidence Modeling of protein sequence and biophysical properties (such as structural, functional, and spatial information, amino acid conservation, physicochemical variation, residue mobility, and thermodynamic stability) indicates that this missense variant is expected to disrupt VPS13B protein function with a positive predictive value of 80%. In summary, the available evidence is currently insufficient to determine the role of this variant in disease. Therefore, it has been classified as a Variant of Uncertain Significance.

GeneDx
Classification: Uncertain significance. Last evaluated: 2022-08-12. Review status: criteria provided, single submitter. Criteria: GeneDx Variant Classification Process June 2021. Collection method: clinical testing. Allele origin: germline. Affected: yes.
Comment: In silico analysis supports that this missense variant does not alter protein structure/function; Has not been previously published as pathogenic or benign to our knowledge

Genetic Services Laboratory, University of Chicago
Classification: Uncertain significance. Last evaluated: 2014-10-09. Review status: criteria provided, single submitter. Criteria: ACMG Guidelines, 2015. Collection method: clinical testing. Allele origin: germline.

Breakthrough Genomics
Classification: Uncertain significance. Review status: criteria provided, single submitter. Criteria: ACMG Guidelines, 2015. Collection method: not provided. Allele origin: germline. Inheritance: Autosomal recessive inheritance. Affected: yes.

Natera, Inc.
Classification: Uncertain significance for Cohen syndrome. Last evaluated: 2020-01-24. Review status: no assertion criteria provided. Collection method: clinical testing. Allele origin: germline. Not counted in ClinVar's aggregate classification.

NM_152564.5(VPS13B):c.10549A>G (p.Lys3517Glu)

Gene: VPS13B (vacuolar protein sorting 13 homolog B; plus strand). Cytogenetic location: 8q22.2.
Variant type: single nucleotide variant.
Coding change: c.10549A>G on transcript NM_152564.5 (MANE Select); coding-DNA position 10549, A replaced by G.
Protein change: p.Lys3517Glu; replaces lysine 3517 with glutamic acid.
Molecular consequence: missense variant.
Genome position (GRCh38, 1-based): chr8:99,853,938, A>G. VCF-style: chr8-99853938-A-G. GRCh37 (hg19) VCF-style: chr8-100866166-A-G.
Other names: c.10624A>G, p.Lys3542Glu (NM_017890.5); c.10549A>G (NM_152564.4); short protein forms K3517E, K3542E.
Identifiers: ClinVar variation 212568 (VCV000212568.15), dbSNP rs143187571, ClinGen allele CA205880.